The following is an entry in ClinVar:

ClinVar aggregate classification (germline): Uncertain significance (1 of 4 stars; one submission).

gnomAD v4.1: 1 of 1,614,150 alleles (0.000062%); highest among the groups gnomAD compares: Non-Finnish European, 0.000085%; no homozygotes.

Submission:

Mayo Clinic Laboratories, Mayo Clinic
Classification: Uncertain significance. Last evaluated: 2024-12-19. Review status: criteria provided, single submitter. Criteria: ACMG Guidelines, 2015. Collection method: clinical testing. Allele origin: germline. Observed: 1 variant allele.
Comment: PP3_moderate, PM2_supporting

NM_000035.4(ALDOB):c.718T>C (p.Cys240Arg)

Gene: ALDOB (aldolase, fructose-bisphosphate B; minus strand). Cytogenetic location: 9q31.1.
Variant type: single nucleotide variant.
Coding change: c.718T>C on transcript NM_000035.4 (MANE Select); coding-DNA position 718, T replaced by C.
Protein change: p.Cys240Arg; replaces cysteine 240 with arginine.
Molecular consequence: missense variant.
Genome position (GRCh38, 1-based): chr9:101,425,534, A>G on the plus strand (T>C on the coding strand, the complement: ALDOB is on the minus strand). VCF-style: chr9-101425534-A-G. GRCh37 (hg19) VCF-style: chr9-104187816-A-G.
Other names: p.Cys240Arg; short protein forms C240R.
Identifiers: ClinVar variation 4541458 (VCV004541458.1).